The following is an entry in ClinVar:

ClinVar aggregate classification (germline): Likely benign. Review status: criteria provided, multiple submitters, no conflicts (2 of 4 stars). 2 submissions from 2 submitters: Likely benign (2). Last evaluated 2025-12-28.

Allele frequency attached by ClinVar (database versions not stated): gnomAD exomes 0.00004 and 0.00017; gnomAD 0.00007 and 0.00008; TOPMed 0.00009; ExAC 0.00013.
gnomAD v4.1: 65 of 1,613,816 alleles (0.004%); highest among the groups gnomAD compares: Admixed American, 0.09%; no homozygotes.

Submissions (2):

Labcorp Genetics (formerly Invitae), Labcorp
Classification: Likely benign. Last evaluated: 2025-12-28. Review status: criteria provided, single submitter. Criteria: Invitae Variant Classification Sherloc (09022015). Collection method: clinical testing. Allele origin: germline.

CeGaT Center for Human Genetics Tuebingen
Classification: Likely benign. Last evaluated: 2023-12-01. Review status: criteria provided, single submitter. Criteria: CeGaT Center For Human Genetics Tuebingen Variant Classification Criteria Version 2. Collection method: clinical testing. Allele origin: germline. Affected: yes. Observed: 1 variant allele.
Comment: GRM7: BP4, BP7

NM_000844.4(GRM7):c.2472G>A (p.Thr824=)

Gene: GRM7 (glutamate metabotropic receptor 7; plus strand). Cytogenetic location: 3p26.1.
Variant type: single nucleotide variant.
Coding change: c.2472G>A on transcript NM_000844.4 (MANE Select); coding-DNA position 2472, G replaced by A.
Protein change: p.Thr824=; no amino-acid change (threonine 824 retained).
Molecular consequence: synonymous variant.
Genome position (GRCh38, 1-based): chr3:7,680,069, G>A. VCF-style: chr3-7680069-G-A. GRCh37 (hg19) VCF-style: chr3-7721756-G-A.
Other names: c.2472G>A, p.Thr824= (NM_181874.3).
Identifiers: ClinVar variation 1674585 (VCV001674585.30), dbSNP rs764120169, ClinGen allele CA2235130.
Genomic context (GRCh38, chr3:7,680,069, plus strand): 5'-ATTTTATTTGTAATAGTGCCTTGTGTGTTGTGTCTCCTAGCTCTACATACAAACTACCAC[G>A]CTTACAATCTCCATGAACCTAAGTGCATCAGTGGCGCTGGGGATGCTATACATGCCGAAA-3'
Protein context (NP_000835.1, residues 814-834): SAEKLYIQTT[Thr824=]LTISMNLSAS